The following is an entry in ClinVar:

ClinVar aggregate classification (germline): Uncertain significance (1 of 4 stars; one submission).

Conditions:
Familial cancer of breast. Also called: Hereditary breast cancer; BREAST CANCER, FAMILIAL; hereditary breast carcinoma. Identifiers: Orphanet 227535, MedGen C0346153, MONDO:0016419, OMIM 114480. Disease mechanism: loss of function.

Submission:

St. Jude Molecular Pathology, St. Jude Children's Research Hospital
Classification: Uncertain significance for Familial cancer of breast. Last evaluated: 2025-02-05. Review status: criteria provided, single submitter. Criteria: St. Jude Assertion Criteria 2020. Collection method: clinical testing. Allele origin: germline.
Comment: The PALB2 c.727A>G p.(Thr243Ala) missense change is absent in gnomAD v2.1.1. The in silico tool REVEL predicts a benign effect on protein function, but to our knowledge this prediction has not been confirmed by functional studies. To our knowledge, this variant has not been reported in individuals with PALB2-associated conditions. In summary, the evidence currently available is insufficient to determine the clinical significance of this variant. It has therefore been classified as of uncertain significance.

NM_024675.4(PALB2):c.727A>G (p.Thr243Ala)

Gene: PALB2 (partner and localizer of BRCA2; minus strand). Cytogenetic location: 16p12.2.
Variant type: single nucleotide variant.
Coding change: c.727A>G on transcript NM_024675.4 (MANE Select); coding-DNA position 727, A replaced by G.
Protein change: p.Thr243Ala; replaces threonine 243 with alanine.
Molecular consequence: missense variant. On other transcripts: 5 prime UTR variant (8), intron variant (3).
Genome position (GRCh38, 1-based): chr16:23,635,819, T>C on the plus strand (A>G on the coding strand, the complement: PALB2 is on the minus strand). VCF-style: chr16-23635819-T-C. GRCh37 (hg19) VCF-style: chr16-23647140-T-C.
Other names: c.667A>G, p.Thr223Ala (NM_001407296.1); c.727A>G, p.Thr243Ala (NM_001407297.1, NM_001407298.1, NM_001407299.1 and 3 more transcripts); c.-159A>G (NM_001407304.1, NM_001407305.1, NM_001407306.1 and 5 more transcripts); c.48+5291A>G (NM_001407314.1); c.-105+5291A>G (NM_001407313.1, NM_001407312.1); short protein forms T223A, T243A.
Identifiers: ClinVar variation 3602687 (VCV003602687.1).
Genomic context (GRCh38, chr16:23,635,819, plus strand): 5'-CAAGGTGCTGACTACTACCGCTATCTGATAGAGTCTGTAAAGGAACTGTAGTCGCCCTGG[T>C]GAAATTAGGTCTTCTTAGGAATGTATCAACACCTTTTTCTGGTTGGGCAGTTGGTGGAAT-3'
Protein context (NP_078951.2, residues 233-253): VDTFLRRPNF[Thr243Ala]RATTVPLQTL